The following is an entry in ClinVar:

ClinVar aggregate classification (germline): Likely benign (1 of 4 stars; one submission).

Allele frequency attached by ClinVar (database versions not stated): gnomAD 0.00002; TOPMed 0.00002; gnomAD exomes 0.00003; ExAC 0.00008; ESP Exome Variant Server 0.00015.
gnomAD v4.1: 50 of 1,613,540 alleles (0.0031%); highest among the groups gnomAD compares: Admixed American, 0.005%; no homozygotes.

Submission:

GeneDx
Classification: Likely benign. Last evaluated: 2017-02-02. Review status: criteria provided, single submitter. Criteria: GeneDx Variant Classification (06012015). Collection method: clinical testing. Allele origin: germline. Affected: yes.
Comment: This variant is considered likely benign or benign based on one or more of the following criteria: it is a conservative change, it occurs at a poorly conserved position in the protein, it is predicted to be benign by multiple in silico algorithms, and/or has population frequency not consistent with disease.

NM_015386.3(COG4):c.2019G>A (p.Pro673=)

Gene: COG4 (component of oligomeric golgi complex 4; minus strand). Cytogenetic location: 16q22.1.
Variant type: single nucleotide variant.
Coding change: c.2019G>A on transcript NM_015386.3 (MANE Select); coding-DNA position 2019, G replaced by A.
Protein change: p.Pro673=; no amino-acid change (proline 673 retained).
Molecular consequence: synonymous variant. On other transcripts: non-coding transcript variant (1).
Genome position (GRCh38, 1-based): chr16:70,481,851, C>T on the plus strand (G>A on the coding strand, the complement: COG4 is on the minus strand). VCF-style: chr16-70481851-C-T. GRCh37 (hg19) VCF-style: chr16-70515754-C-T.
Other names: c.1944G>A, p.Pro648= (NM_001195139.2); c.1593G>A, p.Pro531= (NM_001365426.1).
Identifiers: ClinVar variation 507008 (VCV000507008.1), dbSNP rs140971621, ClinGen allele CA8144078.